The following is an entry in ClinVar:

ClinVar aggregate classification (germline): Uncertain significance (1 of 4 stars; one submission).

Conditions:
Isolated microphthalmia 4. Identifiers: Orphanet 2542, MedGen C2751307, MONDO:0013130, OMIM 613094.
Leber congenital amaurosis 17 (LCA17). Identifiers: Orphanet 65, MedGen C3715164, MONDO:0014145, OMIM 615360.
Klippel-Feil syndrome 1, autosomal dominant (KFS1). Also called: CERVICAL VERTEBRAL FUSION, AUTOSOMAL DOMINANT. Identifiers: Orphanet 2345, MedGen C1861689, MONDO:0007306, OMIM 118100.
Microphthalmia, isolated, with coloboma 6 (MCOPCB6). Also called: MICROPHTHALMIA/COLOBOMA 6; Microphthalmia with coloboma 6, digenic; Microphthalmia with coloboma 6. Identifiers: Orphanet 98938, MedGen C3150968, MONDO:0013376, OMIM 613703.

Allele frequency attached by ClinVar (database versions not stated): gnomAD 0.00001; gnomAD exomes 0.00001.
gnomAD v4.1: 6 of 1,613,568 alleles (0.00037%); highest among the groups gnomAD compares: Middle Eastern, 0.016%; no homozygotes.

Submission:

Labcorp Genetics (formerly Invitae), Labcorp
Classification: Uncertain significance for Isolated microphthalmia 4; Leber congenital amaurosis 17; Klippel-Feil syndrome 1, autosomal dominant; Microphthalmia, isolated, with coloboma 6. Last evaluated: 2023-04-26. Review status: criteria provided, single submitter. Criteria: Invitae Variant Classification Sherloc (09022015). Collection method: clinical testing. Allele origin: germline.
Comment: In summary, the available evidence is currently insufficient to determine the role of this variant in disease. Therefore, it has been classified as a Variant of Uncertain Significance. An algorithm developed to predict the effect of missense changes on protein structure and function (PolyPhen-2) suggests that this variant is likely to be tolerated. This variant has not been reported in the literature in individuals affected with GDF6-related conditions. This variant is present in population databases (no rsID available, gnomAD 0.01%). This sequence change replaces glutamic acid, which is acidic and polar, with lysine, which is basic and polar, at codon 36 of the GDF6 protein (p.Glu36Lys).

NM_001001557.4(GDF6):c.106G>A (p.Glu36Lys)

Gene: GDF6 (growth differentiation factor 6; minus strand). Cytogenetic location: 8q22.1.
Variant type: single nucleotide variant.
Coding change: c.106G>A on transcript NM_001001557.4 (MANE Select); coding-DNA position 106, G replaced by A.
Protein change: p.Glu36Lys; replaces glutamic acid 36 with lysine.
Molecular consequence: missense variant.
Genome position (GRCh38, 1-based): chr8:96,160,587, C>T on the plus strand (G>A on the coding strand, the complement: GDF6 is on the minus strand). VCF-style: chr8-96160587-C-T. GRCh37 (hg19) VCF-style: chr8-97172815-C-T.
Other names: short protein forms E36K.
Identifiers: ClinVar variation 2938588 (VCV002938588.3), dbSNP rs1199035850, ClinGen allele CA371753943.